The following is an entry in ClinVar:

ClinVar aggregate classification (germline): Pathogenic (1 of 4 stars; one submission).

Conditions:
Abetalipoproteinaemia (ABL). Also called: MTP DEFICIENCY; Abetalipoproteinemia; Abetalipoproteinemia neuropathy; Apolipoprotein B deficiency; Congenital betalipoprotein deficiency syndrome. Identifiers: Orphanet 14, MedGen C0000744, MONDO:0008692, OMIM 200100, HP:0008181.

Submission:

Myriad Genetics, Inc.
Classification: Pathogenic for Abetalipoproteinaemia. Last evaluated: 2024-05-14. Review status: criteria provided, single submitter. Criteria: Myriad Autosomal Dominant, Autosomal Recessive and X-Linked Classification Criteria (2023). Collection method: clinical testing. Allele origin: unknown.
Comment: NM_000253.2(MTTP):c.1078_1079ins7(V360Gfs*27) is expected to be pathogenic in the context of abetalipoproteinemia. This variant is predicted to lead to an abnormal or absent protein product due to the creation of a premature termination codon in MTTP, a gene where loss-of-function variants are known to be pathogenic. Please note: this variant was assessed in the context of healthy population screening.

NM_001386140.1(MTTP):c.1078_1079insGTGGGCC (p.Val360fs)

Gene: MTTP (microsomal triglyceride transfer protein; plus strand). Cytogenetic location: 4q23.
Variant type: Insertion.
Coding change: c.1078_1079insGTGGGCC on transcript NM_001386140.1 (MANE Select); coding-DNA positions 1078 to 1079, GTGGGCC inserted.
Protein change: p.Val360fs; shifts the reading frame from valine 360.
Molecular consequence: frameshift variant.
Genome position: GRCh38 VCF-style: chr4-99600575-G-GGTGGGCC. GRCh37 (hg19) VCF-style: chr4-100521732-G-GGTGGGCC.
Other names: c.1078_1079insGTGGGCC, p.Val360fs (NM_000253.4); c.829_830insGTGGGCC, p.Val277fs (NM_001300785.2); short protein forms V277fs, V360fs.
Identifiers: ClinVar variation 5010853 (VCV005010853.1).